The following is an entry in ClinVar:

ClinVar aggregate classification (germline): Uncertain significance. Review status: criteria provided, multiple submitters, no conflicts (2 of 4 stars). 2 submissions from 2 submitters: Uncertain significance (2). Last evaluated 2025-08-22.

Conditions:
Inborn genetic diseases. Identifiers: MedGen C0950123, MeSH D030342.

Allele frequency attached by ClinVar (database versions not stated): gnomAD exomes 0.00001; TOPMed 0.00002; gnomAD 0.00006.
gnomAD v4.1: 21 of 1,595,224 alleles (0.0013%); highest among the groups gnomAD compares: Middle Eastern, 0.017%; no homozygotes.

Submissions (2):

Ambry Genetics
Classification: Uncertain significance for Inborn genetic diseases. Last evaluated: 2025-08-22. Review status: criteria provided, single submitter. Criteria: Ambry Variant Classification Scheme 2023. Collection method: clinical testing. Allele origin: germline.

Labcorp Genetics (formerly Invitae), Labcorp
Classification: Uncertain significance. Last evaluated: 2022-06-13. Review status: criteria provided, single submitter. Criteria: Invitae Variant Classification Sherloc (09022015). Collection method: clinical testing. Allele origin: germline.
Comment: In summary, the available evidence is currently insufficient to determine the role of this variant in disease. Therefore, it has been classified as a Variant of Uncertain Significance. Algorithms developed to predict the effect of missense changes on protein structure and function are either unavailable or do not agree on the potential impact of this missense change (SIFT: "Deleterious"; PolyPhen-2: "Possibly Damaging"; Align-GVGD: "Class C0"). This variant has not been reported in the literature in individuals affected with OBSL1-related conditions. This variant is present in population databases (no rsID available, gnomAD 0.006%). This sequence change replaces serine, which is neutral and polar, with leucine, which is neutral and non-polar, at codon 324 of the OBSL1 protein (p.Ser324Leu).

NM_015311.3(OBSL1):c.971C>T (p.Ser324Leu)

Gene: OBSL1 (obscurin like cytoskeletal adaptor 1; minus strand). Cytogenetic location: 2q35.
Variant type: single nucleotide variant.
Coding change: c.971C>T on transcript NM_015311.3 (MANE Select); coding-DNA position 971, C replaced by T.
Protein change: p.Ser324Leu; replaces serine 324 with leucine.
Molecular consequence: missense variant.
Genome position (GRCh38, 1-based): chr2:219,570,262, G>A on the plus strand (C>T on the coding strand, the complement: OBSL1 is on the minus strand). VCF-style: chr2-219570262-G-A. GRCh37 (hg19) VCF-style: chr2-220434984-G-A.
Other names: c.971C>T, p.Ser324Leu (NM_001173408.2, NM_001173431.2); c.971C>T (NM_015311.2); short protein forms S324L.
Identifiers: ClinVar variation 1511002 (VCV001511002.7), dbSNP rs1284495604, ClinGen allele CA350762866.